The following is an entry in ClinVar:

NM_001386135.1(AFF3):c.631C>A (p.His211Asn)

Gene: AFF3 (ALF transcription elongation factor 3; minus strand). Cytogenetic location: 2q11.2.
Variant type: single nucleotide variant.
Coding change: c.631C>A on transcript NM_001386135.1 (MANE Select); coding-DNA position 631, C replaced by A.
Protein change: p.His211Asn; replaces histidine 211 with asparagine.
Molecular consequence: missense variant.
Genome position (GRCh38, 1-based): chr2:100,006,874, G>T on the plus strand (C>A on the coding strand, the complement: AFF3 is on the minus strand). VCF-style: chr2-100006874-G-T. GRCh37 (hg19) VCF-style: chr2-100623336-G-T.
Other names: c.706C>A, p.His236Asn (NM_001025108.2); c.631C>A, p.His211Asn (NM_002285.3); short protein forms H211N, H236N.
Identifiers: ClinVar variation 2636626 (VCV002636626.1), dbSNP rs2469091649, ClinGen allele CA347963910.

ClinVar aggregate classification (germline): Uncertain significance (1 of 4 stars; one submission).

Conditions:
AFF3-related disorder. Also called: AFF3-related condition.

Submission:

PreventionGenetics, part of Exact Sciences
Classification: Uncertain significance for AFF3-related condition. Last evaluated: 2022-08-26. Review status: criteria provided, single submitter. Criteria: ACMG Guidelines, 2015. Collection method: clinical testing. Allele origin: germline.
Comment: The AFF3 c.631C>A variant is predicted to result in the amino acid substitution p.His211Asn. To our knowledge, this variant has not been reported in the literature or in a large population database, indicating this variant is rare. At this time, the clinical significance of this variant is uncertain due to the absence of conclusive functional and genetic evidence.